The following is an entry in ClinVar:

ClinVar aggregate classification (germline): Uncertain significance (1 of 4 stars; one submission).

Conditions:
Cardiovascular phenotype. Identifiers: MedGen CN230736.

Submission:

Ambry Genetics
Classification: Uncertain significance for Cardiovascular phenotype. Last evaluated: 2026-08-10. Review status: criteria provided, single submitter. Criteria: Ambry Variant Classification Scheme 2023. Collection method: clinical testing. Allele origin: germline.
Comment: The p.N1909S variant (also known as c.5726A>G), located in coding exon 41 of the ABCA1 gene, results from an A to G substitution at nucleotide position 5726. The asparagine at codon 1909 is replaced by serine, an amino acid with highly similar properties. This amino acid position is conserved. In addition, this alteration is predicted to be tolerated by in silico analysis. Based on the available evidence, the clinical significance of this variant remains unclear.

NM_005502.4(ABCA1):c.5726A>G (p.Asn1909Ser)

Gene: ABCA1 (ATP binding cassette subfamily A member 1; minus strand). Cytogenetic location: 9q31.1.
Variant type: single nucleotide variant.
Coding change: c.5726A>G on transcript NM_005502.4 (MANE Select); coding-DNA position 5726, A replaced by G.
Protein change: p.Asn1909Ser; replaces asparagine 1909 with serine.
Molecular consequence: missense variant.
Genome position (GRCh38, 1-based): chr9:104,792,817, T>C on the plus strand (A>G on the coding strand, the complement: ABCA1 is on the minus strand). VCF-style: chr9-104792817-T-C. GRCh37 (hg19) VCF-style: chr9-107555098-T-C.
Other names: short protein forms N1909S.
Identifiers: ClinVar variation 5033745 (VCV005033745.1).